The following is an entry in ClinVar:

ClinVar aggregate classification (germline): Uncertain significance. Review status: criteria provided, multiple submitters, no conflicts (2 of 4 stars). 2 submissions from 2 submitters: Uncertain significance (2). Last evaluated 2025-10-02.

Conditions:
Bloom syndrome (BLM). Also called: Bloom-Torre-Machacek syndrome. Identifiers: Orphanet 125, MedGen C0005859, MONDO:0008876, OMIM 210900.
Hereditary cancer-predisposing syndrome. Also called: Neoplastic Syndromes, Hereditary; Tumor predisposition; Hereditary neoplastic syndrome; Hereditary Cancer Syndrome. Identifiers: Orphanet 140162, MedGen C0027672, MeSH D009386, MONDO:0015356.

Submissions (2):

Ambry Genetics
Classification: Uncertain significance for Hereditary cancer-predisposing syndrome. Last evaluated: 2025-10-02. Review status: criteria provided, single submitter. Criteria: Ambry Variant Classification Scheme 2023. Collection method: clinical testing. Allele origin: germline.
Comment: The p.E265G variant (also known as c.794A>G), located in coding exon 2 of the BLM gene, results from an A to G substitution at nucleotide position 794. The glutamic acid at codon 265 is replaced by glycine, an amino acid with similar properties. This amino acid position is conserved. In addition, this alteration is predicted to be tolerated by in silico analysis. Since supporting evidence is limited at this time, the clinical significance of this alteration remains unclear.

Labcorp Genetics (formerly Invitae), Labcorp
Classification: Uncertain significance for Bloom syndrome. Last evaluated: 2024-02-17. Review status: criteria provided, single submitter. Criteria: Invitae Variant Classification Sherloc (09022015). Collection method: clinical testing. Allele origin: germline.
Comment: This sequence change replaces glutamic acid, which is acidic and polar, with glycine, which is neutral and non-polar, at codon 265 of the BLM protein (p.Glu265Gly). This variant is not present in population databases (gnomAD no frequency). This variant has not been reported in the literature in individuals affected with BLM-related conditions. ClinVar contains an entry for this variant (Variation ID: 566420). An algorithm developed to predict the effect of missense changes on protein structure and function (PolyPhen-2) suggests that this variant is likely to be tolerated. In summary, the available evidence is currently insufficient to determine the role of this variant in disease. Therefore, it has been classified as a Variant of Uncertain Significance.

NM_000057.4(BLM):c.794A>G (p.Glu265Gly)

Gene: BLM (BLM RecQ like helicase; plus strand). Cytogenetic location: 15q26.1.
Variant type: single nucleotide variant.
Coding change: c.794A>G on transcript NM_000057.4 (MANE Select); coding-DNA position 794, A replaced by G.
Protein change: p.Glu265Gly; replaces glutamic acid 265 with glycine.
Molecular consequence: missense variant. On other transcripts: 5 prime UTR variant (1).
Genome position (GRCh38, 1-based): chr15:90,750,062, A>G. VCF-style: chr15-90750062-A-G. GRCh37 (hg19) VCF-style: chr15-91293292-A-G.
Other names: c.794A>G, p.Glu265Gly (NM_001287246.2, NM_001287247.2); c.-498A>G (NM_001287248.2); short protein forms E265G.
Identifiers: ClinVar variation 566420 (VCV000566420.12), dbSNP rs907073579, ClinGen allele CA274728656.